The following is an entry in ClinVar:

NM_001378452.1(ITPR1):c.3138A>G (p.Gln1046=)

Gene: ITPR1 (inositol 1,4,5-trisphosphate receptor type 1; plus strand). Cytogenetic location: 3p26.1.
Variant type: single nucleotide variant.
Coding change: c.3138A>G on transcript NM_001378452.1 (MANE Select); coding-DNA position 3138, A replaced by G.
Protein change: p.Gln1046=; no amino-acid change (glutamine 1046 retained).
Molecular consequence: synonymous variant.
Genome position (GRCh38, 1-based): chr3:4,681,395, A>G. VCF-style: chr3-4681395-A-G. GRCh37 (hg19) VCF-style: chr3-4723079-A-G.
Other names: c.3111A>G, p.Gln1037= (NM_001099952.4); c.3093A>G, p.Gln1031= (NM_001168272.2); c.3066A>G, p.Gln1022= (NM_002222.7).
Identifiers: ClinVar variation 1916005 (VCV001916005.6), dbSNP rs2094295908, ClinGen allele CA432320979.

ClinVar aggregate classification (germline): Likely benign. Review status: criteria provided, multiple submitters, no conflicts (2 of 4 stars). 2 submissions from 2 submitters: Likely benign (2). Last evaluated 2025-05-27.

Allele frequency attached by ClinVar (database versions not stated): gnomAD 0.00001.
gnomAD v4.1: 1 of 1,612,750 alleles (0.000062%); highest among the groups gnomAD compares: Non-Finnish European, 0.000085%; no homozygotes.

Submissions (2):

Women's Health and Genetics/Laboratory Corporation of America, LabCorp
Classification: Likely benign. Last evaluated: 2025-05-27. Review status: criteria provided, single submitter. Criteria: LabCorp Variant Classification Summary - May 2015. Collection method: clinical testing. Allele origin: germline.
Comment: Variant summary: ITPR1 c.3066A>G alters a conserved nucleotide resulting in a synonymous change. Consensus agreement among computation tools predict no significant impact on normal splicing. However, these predictions have yet to be confirmed by functional studies. The variant was absent in 249052 control chromosomes. The available data on variant occurrences in the general population are insufficient to allow any conclusion about variant significance. To our knowledge, no occurrence of c.3066A>G in individuals affected with Spinocerebellar Ataxia 29 and no experimental evidence demonstrating its impact on protein function have been reported. ClinVar contains an entry for this variant (Variation ID: 1916005). Based on the evidence outlined above, the variant was classified as likely benign.

Labcorp Genetics (formerly Invitae), Labcorp
Classification: Likely benign. Last evaluated: 2024-04-15. Review status: criteria provided, single submitter. Criteria: Invitae Variant Classification Sherloc (09022015). Collection method: clinical testing. Allele origin: germline.